The following is an entry in ClinVar:

ClinVar aggregate classification (germline): Uncertain significance (1 of 4 stars; one submission).

Conditions:
Hypertrophic cardiomyopathy 1 (CMH1). Also called: MYH7-Related Familial Hypertrophic Cardiomyopathy; Familial hypertrophic cardiomyopathy 1. Identifiers: MedGen C3495498, MONDO:0008647, OMIM 192600.

Submission:

Labcorp Genetics (formerly Invitae), Labcorp
Classification: Uncertain significance for Hypertrophic cardiomyopathy 1. Last evaluated: 2024-05-19. Review status: criteria provided, single submitter. Criteria: Invitae Variant Classification Sherloc (09022015). Collection method: clinical testing. Allele origin: germline.
Comment: This sequence change replaces valine, which is neutral and non-polar, with alanine, which is neutral and non-polar, at codon 454 of the MYLK2 protein (p.Val454Ala). This variant is present in population databases (rs371357235, gnomAD 0.004%). This variant has not been reported in the literature in individuals affected with MYLK2-related conditions. Advanced modeling of protein sequence and biophysical properties (such as structural, functional, and spatial information, amino acid conservation, physicochemical variation, residue mobility, and thermodynamic stability) performed at Invitae indicates that this missense variant is expected to disrupt MYLK2 protein function with a positive predictive value of 80%. In summary, the available evidence is currently insufficient to determine the role of this variant in disease. Therefore, it has been classified as a Variant of Uncertain Significance.

NM_033118.4(MYLK2):c.1361T>C (p.Val454Ala)

Gene: MYLK2 (myosin light chain kinase 2; plus strand). Cytogenetic location: 20q11.21.
Variant type: single nucleotide variant.
Coding change: c.1361T>C on transcript NM_033118.4 (MANE Select); coding-DNA position 1361, T replaced by C.
Protein change: p.Val454Ala; replaces valine 454 with alanine.
Molecular consequence: missense variant.
Genome position (GRCh38, 1-based): chr20:31,831,078, T>C. VCF-style: chr20-31831078-T-C. GRCh37 (hg19) VCF-style: chr20-30418881-T-C.
Other names: short protein forms V454A.
Identifiers: ClinVar variation 3666759 (VCV003666759.2).